The following is an entry in ClinVar:

NM_024503.5(HIVEP3):c.6678C>T (p.Ser2226=)

Gene: HIVEP3 (HIVEP zinc finger 3; minus strand). Cytogenetic location: 1p34.2.
Variant type: single nucleotide variant.
Coding change: c.6678C>T on transcript NM_024503.5 (MANE Select); coding-DNA position 6678, C replaced by T.
Protein change: p.Ser2226=; no amino-acid change (serine 2226 retained).
Molecular consequence: synonymous variant.
Genome position (GRCh38, 1-based): chr1:41,510,994, G>A on the plus strand (C>T on the coding strand, the complement: HIVEP3 is on the minus strand). VCF-style: chr1-41510994-G-A. GRCh37 (hg19) VCF-style: chr1-41976665-G-A.
Other names: c.6675C>T, p.Ser2225= (NM_001127714.3).
Identifiers: ClinVar variation 3039552 (VCV003039552.2), dbSNP rs137918317, ClinGen allele CA797142.
Genomic context (GRCh38, chr1:41,510,994, plus strand): 5'-GGGACTCCAGCGGCCTCGCTCCTGGGCCTCCCGGGCCCCTGTCAGGTCGCTGCCACCCCC[G>A]GAGAAGCCACTGACCCAGGCTGCGGTGGGCCCTGGCAGCAGGGTGGGGTGGGCTCCTGGC-3'
Protein context (NP_078779.2, residues 2216-2236): GPTAAWVSGF[Ser2226=]GGGSDLTGAR

ClinVar aggregate classification (germline): Benign (0 of 4 stars; one submission).

Conditions:
HIVEP3-related disorder. Also called: HIVEP3-related condition.

Allele frequency attached by ClinVar (database versions not stated): ExAC 0.00464; TOPMed 0.00636; ESP Exome Variant Server 0.00661; gnomAD 0.00677; 1000 Genomes Project 30x 0.01015; 1000 Genomes Project 0.01058.
gnomAD v4.1: 3,885 of 1,613,526 alleles (0.24%); highest among the groups gnomAD compares: African/African-American, 1.7%; 22 homozygotes.

Submission:

PreventionGenetics, part of Exact Sciences
Classification: Benign for HIVEP3-related condition. Last evaluated: 2019-03-21. Review status: no assertion criteria provided. Collection method: clinical testing. Allele origin: germline.
Comment: This variant is classified as benign based on ACMG/AMP sequence variant interpretation guidelines (Richards et al. 2015 PMID: 25741868, with internal and published modifications).